The following is an entry in ClinVar:

NM_017617.5(NOTCH1):c.3893G>T (p.Gly1298Val)

Gene: NOTCH1 (notch receptor 1; minus strand). Cytogenetic location: 9q34.3.
Variant type: single nucleotide variant.
Coding change: c.3893G>T on transcript NM_017617.5 (MANE Select); coding-DNA position 3893, G replaced by T.
Protein change: p.Gly1298Val; replaces glycine 1298 with valine.
Molecular consequence: missense variant.
Genome position (GRCh38, 1-based): chr9:136,506,724, C>A on the plus strand (G>T on the coding strand, the complement: NOTCH1 is on the minus strand). VCF-style: chr9-136506724-C-A. GRCh37 (hg19) VCF-style: chr9-139401176-C-A.
Other names: short protein forms G1298V.
Identifiers: ClinVar variation 3406871 (VCV003406871.1).

ClinVar aggregate classification (germline): Uncertain significance (1 of 4 stars; one submission).

Conditions:
Familial thoracic aortic aneurysm and aortic dissection (TAAD). Also called: Thoracic aortic aneurysms and dissections. Identifiers: Orphanet 91387, MedGen C4707243, MONDO:0019625.

Submission:

Ambry Genetics
Classification: Uncertain significance for Familial thoracic aortic aneurysm and aortic dissection. Last evaluated: 2024-10-27. Review status: criteria provided, single submitter. Criteria: Ambry Variant Classification Scheme 2023. Collection method: clinical testing. Allele origin: germline.
Comment: The p.G1298V variant (also known as c.3893G>T), located in coding exon 23 of the NOTCH1 gene, results from a G to T substitution at nucleotide position 3893. The glycine at codon 1298 is replaced by valine, an amino acid with dissimilar properties. This amino acid position is conserved. In addition, this alteration is predicted to be deleterious by in silico analysis. Based on the available evidence, the clinical significance of this variant remains unclear.